The following is an entry in ClinVar:

ClinVar aggregate classification (germline): Uncertain significance (1 of 4 stars; one submission).

Conditions:
Joubert syndrome. Also called: JOUBERT-BOLTSHAUSER SYNDROME; Familial aplasia of the vermis. Identifiers: Orphanet 475, MedGen C5979921, MONDO:0018772.
Meckel-Gruber syndrome. Also called: Dysencephalia splachnocystica; DYSENCEPHALIA SPLANCHNOCYSTICA; GRUBER SYNDROME. Identifiers: Orphanet 564, MedGen C0265215, MONDO:0018921.

Allele frequency attached by ClinVar (database versions not stated): gnomAD exomes 0.00001.
gnomAD v4.1: 1 of 1,544,490 alleles (0.000065%); highest among the groups gnomAD compares: Non-Finnish European, 0.000088%; no homozygotes.

Submission:

Labcorp Genetics (formerly Invitae), Labcorp
Classification: Uncertain significance for Joubert syndrome; Meckel-Gruber syndrome. Last evaluated: 2020-08-17. Review status: criteria provided, single submitter. Criteria: Invitae Variant Classification Sherloc (09022015). Collection method: clinical testing. Allele origin: germline.
Comment: In summary, the available evidence is currently insufficient to determine the role of this variant in disease. Therefore, it has been classified as a Variant of Uncertain Significance. Advanced modeling of protein sequence and biophysical properties (such as structural, functional, and spatial information, amino acid conservation, physicochemical variation, residue mobility, and thermodynamic stability) performed at Invitae indicates that this missense variant is expected to disrupt CC2D2A protein function. This variant has not been reported in the literature in individuals with CC2D2A-related conditions. This variant is not present in population databases (ExAC no frequency). This sequence change replaces glutamine with leucine at codon 973 of the CC2D2A protein (p.Gln973Leu). The glutamine residue is highly conserved and there is a moderate physicochemical difference between glutamine and leucine.

NM_001378615.1(CC2D2A):c.2918A>T (p.Gln973Leu)

Genes: CC2D2A (coiled-coil and C2 domain containing 2A; plus strand), FBXL5 (F-box and leucine rich repeat protein 5; minus strand). Cytogenetic location: 4p15.32.
Variant type: single nucleotide variant.
Coding change: c.2918A>T on transcript NM_001378615.1 (MANE Select); coding-DNA position 2918, A replaced by T.
Protein change: p.Gln973Leu; replaces glutamine 973 with leucine.
Molecular consequence: missense variant.
Genome position (GRCh38, 1-based): chr4:15,559,253, A>T. VCF-style: chr4-15559253-A-T. GRCh37 (hg19) VCF-style: chr4-15560876-A-T.
Other names: c.2918A>T, p.Gln973Leu (NM_001080522.2); c.2771A>T, p.Gln924Leu (NM_001378617.1); short protein forms Q924L, Q973L.
Identifiers: ClinVar variation 1035309 (VCV001035309.9), dbSNP rs1321218611, ClinGen allele CA356413000.
Genomic context (GRCh38, chr4:15,559,253, plus strand): 5'-ATGTAATAGAAACCAAGGAACACATAGACACCCATAGGGCCATAGTAGCCAAGTACCTCC[A>T]GCAGGTAAGAAAAATCATATAAAACTGTCTTCATAGGGAGAAAAGAGCCAGCACCCTAAG-3'
Protein context (NP_001365544.1, residues 963-983): THRAIVAKYL[Gln973Leu]QVRESVINRF